The following is an entry in ClinVar:

ClinVar aggregate classification (germline): Uncertain significance. Review status: criteria provided, multiple submitters, no conflicts (2 of 4 stars). 2 submissions from 2 submitters: Uncertain significance (2). Last evaluated 2024-10-16.

Conditions:
Inborn genetic diseases. Identifiers: MedGen C0950123, MeSH D030342.

Allele frequency attached by ClinVar (database versions not stated): ExAC 0.00001; gnomAD 0.00001; gnomAD exomes 0.00001; TOPMed 0.00001; ESP Exome Variant Server 0.00008.
gnomAD v4.1: 13 of 1,613,504 alleles (0.00081%); highest among the groups gnomAD compares: Non-Finnish European, 0.0011%; no homozygotes.

Submissions (2):

Labcorp Genetics (formerly Invitae), Labcorp
Classification: Uncertain significance. Last evaluated: 2024-10-16. Review status: criteria provided, single submitter. Criteria: Invitae Variant Classification Sherloc (09022015). Collection method: clinical testing. Allele origin: germline.
Comment: This sequence change replaces alanine, which is neutral and non-polar, with threonine, which is neutral and polar, at codon 409 of the CDH23 protein (p.Ala409Thr). This variant is present in population databases (rs376657497, gnomAD 0.002%). This variant has not been reported in the literature in individuals affected with CDH23-related conditions. ClinVar contains an entry for this variant (Variation ID: 1937524). Invitae Evidence Modeling of protein sequence and biophysical properties (such as structural, functional, and spatial information, amino acid conservation, physicochemical variation, residue mobility, and thermodynamic stability) has been performed for this missense variant. However, the output from this modeling did not meet the statistical confidence thresholds required to predict the impact of this variant on CDH23 protein function. In summary, the available evidence is currently insufficient to determine the role of this variant in disease. Therefore, it has been classified as a Variant of Uncertain Significance.

Ambry Genetics
Classification: Uncertain significance for Inborn genetic diseases. Last evaluated: 2024-01-08. Review status: criteria provided, single submitter. Criteria: Ambry Variant Classification Scheme 2023. Collection method: clinical testing. Allele origin: germline.

NM_022124.6(CDH23):c.1225G>A (p.Ala409Thr)

Gene: CDH23 (cadherin related 23; plus strand). Cytogenetic location: 10q22.1.
Variant type: single nucleotide variant.
Coding change: c.1225G>A on transcript NM_022124.6 (MANE Select); coding-DNA position 1225, G replaced by A.
Protein change: p.Ala409Thr; replaces alanine 409 with threonine.
Molecular consequence: missense variant.
Genome position (GRCh38, 1-based): chr10:71,645,915, G>A. VCF-style: chr10-71645915-G-A. GRCh37 (hg19) VCF-style: chr10-73405672-G-A.
Other names: c.1225G>A, p.Ala409Thr (NM_001171930.2, NM_001171931.2, NM_052836.4); c.1225G>A (NM_022124.5); short protein forms A409T.
Identifiers: ClinVar variation 1937524 (VCV001937524.4), dbSNP rs376657497, ClinGen allele CA5543736.